The following is an entry in ClinVar:

NM_001267550.2(TTN):c.17525T>C (p.Leu5842Ser)

Genes: TTN (titin; minus strand), LOC126806431 (CDK7 strongly-dependent group 2 enhancer GRCh37_chr2:179595719-179596918; plus strand). Cytogenetic location: 2q31.2.
Variant type: single nucleotide variant.
Coding change: c.17525T>C on transcript NM_001267550.2 (MANE Select); coding-DNA position 17525, T replaced by C.
Protein change: p.Leu5842Ser; replaces leucine 5842 with serine.
Molecular consequence: missense variant. On other transcripts: intron variant (3).
Genome position (GRCh38, 1-based): chr2:178,731,140, A>G on the plus strand (T>C on the coding strand, the complement: TTN is on the minus strand). VCF-style: chr2-178731140-A-G. GRCh37 (hg19) VCF-style: chr2-179595867-A-G.
Other names: c.16574T>C, p.Leu5525Ser (NM_001256850.1); c.13793T>C, p.Leu4598Ser (NM_133378.4); c.13282+6942T>C (NM_003319.4); c.13858+6942T>C (NM_133437.4); c.13657+6942T>C (NM_133432.3); short protein forms L5525S, L4598S, L5842S.
Identifiers: ClinVar variation 5007665 (VCV005007665.2).

ClinVar aggregate classification (germline): Uncertain significance (1 of 4 stars; one submission).

Conditions:
Myopathy, myofibrillar, 9, with early respiratory failure (MFM9). Also called: MYOPATHY, PROXIMAL, WITH EARLY RESPIRATORY MUSCLE INVOLVEMENT; Hereditary myopathy with early respiratory failure; Myopathy, distal, with early respiratory failure, autosomal dominant; EDSTROM MYOPATHY. Identifiers: Orphanet 178464, Orphanet 34521, MedGen C1863599, MONDO:0011362, OMIM 603689.
Dilated cardiomyopathy 1G (CMD1G). Identifiers: Orphanet 154, MedGen C1858763, MONDO:0011400, OMIM 604145.
Early-onset myopathy with fatal cardiomyopathy (CMYO5). Also called: Salih Myopathy; CONGENITAL MYOPATHY 5 WITH CARDIOMYOPATHY. Identifiers: Orphanet 289377, MedGen C2673677, MONDO:0012714, OMIM 611705. Disease mechanism: loss of function.
Tibial muscular dystrophy (TMD). Also called: Udd Distal Myopathy – Tibial Muscular Dystrophy; Tibial muscular dystrophy, tardive; UDD MYOPATHY. Identifiers: Orphanet 609, MedGen C1838244, MONDO:0010870, OMIM 600334.
Hypertrophic cardiomyopathy 9. Also called: Familial hypertrophic cardiomyopathy 9. Identifiers: MedGen C1861065, MONDO:0013412, OMIM 613765.
Autosomal recessive limb-girdle muscular dystrophy type 2J (LGMDR10). Also called: Limb-girdle muscular dystrophy, type 2J; MUSCULAR DYSTROPHY, LIMB-GIRDLE, AUTOSOMAL RECESSIVE 10. Identifiers: Orphanet 140922, MedGen C1837342, MONDO:0012127, OMIM 608807.

Submission:

Juno Genomics, Hangzhou Juno Genomics, Inc
Classification: Uncertain significance for Hypertrophic cardiomyopathy 9; Myopathy, myofibrillar, 9, with early respiratory failure; Tibial muscular dystrophy; Early-onset myopathy with fatal cardiomyopathy; Dilated cardiomyopathy 1G; Autosomal recessive limb-girdle muscular dystrophy type 2J. Review status: criteria provided, single submitter. Criteria: ACMG Guidelines, 2015. Collection method: clinical testing. Allele origin: germline.
Comment: Absent from controls (or at extremely low frequency if recessive) in Genome Aggregation Database.;Multiple lines of computational evidence support a deleterious effect on the gene or gene product.;Missense variant in a gene that has a low rate of benign missense variation.